The following is an entry in ClinVar:

ClinVar aggregate classification (germline): Uncertain significance (1 of 4 stars; one submission).

gnomAD v4.1: 1 of 1,613,504 alleles (0.000062%); no homozygotes.

Submission:

Labcorp Genetics (formerly Invitae), Labcorp
Classification: Uncertain significance. Last evaluated: 2024-03-13. Review status: criteria provided, single submitter. Criteria: Invitae Variant Classification Sherloc (09022015). Collection method: clinical testing. Allele origin: germline.
Comment: This sequence change replaces proline, which is neutral and non-polar, with serine, which is neutral and polar, at codon 1676 of the MYO7A protein (p.Pro1676Ser). The frequency data for this variant in the population databases is considered unreliable, as metrics indicate poor data quality at this position in the gnomAD database. This variant has not been reported in the literature in individuals affected with MYO7A-related conditions. Advanced modeling of protein sequence and biophysical properties (such as structural, functional, and spatial information, amino acid conservation, physicochemical variation, residue mobility, and thermodynamic stability) has been performed at Invitae for this missense variant, however the output from this modeling did not meet the statistical confidence thresholds required to predict the impact of this variant on MYO7A protein function. In summary, the available evidence is currently insufficient to determine the role of this variant in disease. Therefore, it has been classified as a Variant of Uncertain Significance.

NM_000260.4(MYO7A):c.5026C>T (p.Pro1676Ser)

Gene: MYO7A (myosin VIIA; plus strand). Cytogenetic location: 11q13.5.
Variant type: single nucleotide variant.
Coding change: c.5026C>T on transcript NM_000260.4 (MANE Select); coding-DNA position 5026, C replaced by T.
Protein change: p.Pro1676Ser; replaces proline 1676 with serine.
Molecular consequence: missense variant.
Genome position (GRCh38, 1-based): chr11:77,201,621, C>T. VCF-style: chr11-77201621-C-T. GRCh37 (hg19) VCF-style: chr11-76912666-C-T.
Other names: c.4912C>T, p.Pro1638Ser (NM_001127180.2); c.4879C>T, p.Pro1627Ser (NM_001369365.1); short protein forms P1627S, P1638S, P1676S.
Identifiers: ClinVar variation 3605380 (VCV003605380.2).
Genomic context (GRCh38, chr11:77,201,621, plus strand): 5'-ACCAAGCAGCGTGGGGACTTCCCCACCGACAGTGTGTACGTCATGCCCACTGTCACCATG[C>T]CACCGCGGGAGATTGTGGTATGTGGCCTGGGGGTGGCAGATGGGTGGGAGGTGCCATTAG-3'
Protein context (NP_000251.3, residues 1666-1686): SVYVMPTVTM[Pro1676Ser]PREIVALVTM